The following is an entry in ClinVar:

NM_024896.3(ERMP1):c.2043G>A (p.Pro681=)

Gene: ERMP1 (endoplasmic reticulum metallopeptidase 1; minus strand). Cytogenetic location: 9p24.1.
Variant type: single nucleotide variant.
Coding change: c.2043G>A on transcript NM_024896.3 (MANE Select); coding-DNA position 2043, G replaced by A.
Protein change: p.Pro681=; no amino-acid change (proline 681 retained).
Molecular consequence: synonymous variant.
Genome position (GRCh38, 1-based): chr9:5,801,200, C>T on the plus strand (G>A on the coding strand, the complement: ERMP1 is on the minus strand). VCF-style: chr9-5801200-C-T. GRCh37 (hg19) VCF-style: chr9-5801200-C-T.
Other names: c.1677G>A, p.Pro559= (NM_001410952.1).
Identifiers: ClinVar variation 3025207 (VCV003025207.22), dbSNP rs775344090, ClinGen allele CA4975712.

ClinVar aggregate classification (germline): Likely benign (1 of 4 stars; one submission).

Allele frequency attached by ClinVar (database versions not stated): gnomAD 0.00001; gnomAD exomes 0.00001; TOPMed 0.00001; ExAC 0.00002.
gnomAD v4.1: 13 of 1,612,250 alleles (0.00081%); highest among the groups gnomAD compares: Middle Eastern, 0.016%; no homozygotes.

Submission:

CeGaT Center for Human Genetics Tuebingen
Classification: Likely benign. Last evaluated: 2024-02-01. Review status: criteria provided, single submitter. Criteria: CeGaT Center For Human Genetics Tuebingen Variant Classification Criteria Version 2. Collection method: clinical testing. Allele origin: germline. Affected: yes. Observed: 1 variant allele.
Comment: ERMP1: BP4, BP7